The following is an entry in ClinVar:

NM_001378454.1(ALMS1):c.2536G>T (p.Gly846Ter)

Gene: ALMS1 (ALMS1 centrosome and basal body associated protein; plus strand). Cytogenetic location: 2p13.1.
Variant type: single nucleotide variant.
Coding change: c.2536G>T on transcript NM_001378454.1 (MANE Select); coding-DNA position 2536, G replaced by T.
Protein change: p.Gly846Ter; replaces glycine 846 with a stop codon.
Molecular consequence: nonsense.
Genome position (GRCh38, 1-based): chr2:73,449,063, G>T. VCF-style: chr2-73449063-G-T. GRCh37 (hg19) VCF-style: chr2-73676190-G-T.
Other names: c.2539G>T, p.Gly847Ter (NM_015120.4); short protein forms G847*, G846*.
Identifiers: ClinVar variation 1425902 (VCV001425902.6), dbSNP rs201154998, ClinGen allele CA347270455.
Genomic context (GRCh38, chr2:73,449,063, plus strand): 5'-CTGGACAGCCATCTACCCGAAGAGGCTCTGAAAGTTTCAGCTGTTTCTGGACCAGCTGAC[G>T]GAAAGACTGGGACACCAGCTGTAACCTCTACTTCCTCTGCGTCCTCTTCACTTGGAGAAA-3'

ClinVar aggregate classification (germline): Pathogenic (1 of 4 stars; one submission).

Conditions:
Alstrom syndrome (ALMS). Identifiers: Orphanet 64, MedGen C0268425, MONDO:0008763, OMIM 203800.

Submission:

Labcorp Genetics (formerly Invitae), Labcorp
Classification: Pathogenic for Alstrom syndrome. Last evaluated: 2021-11-19. Review status: criteria provided, single submitter. Criteria: Invitae Variant Classification Sherloc (09022015). Collection method: clinical testing. Allele origin: germline.
Comment: This variant is not present in population databases (gnomAD no frequency). For these reasons, this variant has been classified as Pathogenic. This variant has not been reported in the literature in individuals affected with ALMS1-related conditions. This sequence change creates a premature translational stop signal (p.Gly847*) in the ALMS1 gene. It is expected to result in an absent or disrupted protein product. Loss-of-function variants in ALMS1 are known to be pathogenic (PMID: 17594715).

Literature cited by the submitters: PubMed 17594715.